The following is an entry in ClinVar:

NM_003482.4(KMT2D):c.2263dup (p.Arg755fs)

Gene: KMT2D (lysine methyltransferase 2D; minus strand). Cytogenetic location: 12q13.12.
Variant type: Duplication.
Coding change: c.2263dup on transcript NM_003482.4 (MANE Select); coding-DNA position 2263, one base duplicated (C; older notation c.2263dupC).
Protein change: p.Arg755fs; shifts the reading frame from arginine 755.
Molecular consequence: frameshift variant.
Genome position (GRCh38, 1-based): chr12:49,051,420, G duplicated on the plus strand (C on the coding strand, the reverse complement: KMT2D is on the minus strand); the first of 6 consecutive G bases (chr12:49,051,420-49,051,425); duplicating any one gives the same sequence. VCF-style (leftmost placement, unchanged base first): chr12-49051419-C-CG. GRCh37 (hg19) VCF-style: chr12-49445202-C-CG.
Other names: c.2263_2264insC (NM_003482.3); c.2263dup (NM_003482.3); c.2263dupC (NM_003482.3, NM_003482.4); short protein forms R755fs.
Identifiers: ClinVar variation 547407 (VCV000547407.5), dbSNP rs1555196984, ClinGen allele CA658823415.

ClinVar aggregate classification (germline): Pathogenic/Likely pathogenic. Review status: criteria provided, multiple submitters, no conflicts (2 of 4 stars). 4 submissions from 4 submitters: Pathogenic (2); Likely pathogenic (1). 1 of the submissions does not count toward it. Last evaluated 2026-05-25.

Conditions:
Kabuki syndrome 1 (KABUK1). Also called: KMT2D-Related Kabuki Syndrome. Identifiers: Orphanet 2322, MedGen CN030661, MONDO:0007843, OMIM 147920.
KMT2D-related disorder. Also called: KMT2D-Related Disorders.

Submissions (4):

PreventionGenetics, part of Exact Sciences
Classification: Pathogenic for KMT2D-related condition. Last evaluated: 2026-05-25. Review status: criteria provided, single submitter. Criteria: ACMG Guidelines, 2015. Collection method: clinical testing. Allele origin: germline.
Comment: The KMT2D c.2263dupC variant is predicted to result in a frameshift and premature protein termination (p.Arg755Profs*3). This variant has been reported in an individual with Kabuki syndrome (Usluer et al. 2022. PubMed ID: 36097644) and a fetus with hypoplastic left heart (Zhang et al. 2024. PubMed ID: 38253798). This variant has not been reported in a large population database (gnomAD), indicating this variant is rare. Frameshift variants in KMT2D are expected to be pathogenic. This variant is interpreted as pathogenic.

Genetics and Molecular Pathology, SA Pathology
Classification: Pathogenic for Kabuki syndrome 1. Last evaluated: 2021-12-14. Review status: criteria provided, single submitter. Criteria: ACMG Guidelines, 2015. Collection method: clinical testing. Allele origin: germline. Inheritance: Autosomal dominant inheritance. Affected: yes.
Comment: The KMT2D c.2263dup variant is located in exon 11/55 and is predicted to cause a shift in the reading frame at codon 755, resulting in premature termination and likely non-sense mediated decay of the resulting protein product (PVS1). This variant is absent from population databases (PM2). The variant has been reported in dbSNP (rs1555196984). The variant has been reported as Likely pathogenic by other diagnostic laboratories (ClinVar Variation ID: 547407). This variant has not been reported in the HGMD disease database.

Center for Human Genetics, Inc
Classification: Likely pathogenic for Kabuki syndrome 1. Last evaluated: 2016-11-01. Review status: criteria provided, single submitter. Criteria: ACMG Guidelines, 2015. Collection method: clinical testing. Allele origin: germline. Affected: yes.

Institute Of Reproduction And Development, Obstetrics and Gynecology Hospital, Fudan University
Classification: Likely pathogenic for Kabuki syndrome 1. Last evaluated: 2021-09-30. Review status: no assertion criteria provided. Collection method: research. Allele origin: germline. Affected: yes. Not counted in ClinVar's aggregate classification.